The following is an entry in ClinVar:

ClinVar aggregate classification (germline): Uncertain significance (1 of 4 stars; one submission).

Conditions:
Muscular dystrophy-dystroglycanopathy (congenital with brain and eye anomalies), type A9. Also called: Muscular dystrophy-dystroglycanopathy (congenital with brain and eye anomalies), type a, 9; WALKER-WARBURG SYNDROME OR MUSCLE-EYE BRAIN DISEASE, DAG1-RELATED. Identifiers: Orphanet 370997, Orphanet 899, MedGen C4225291, MONDO:0014683, OMIM 616538.
Autosomal recessive limb-girdle muscular dystrophy type 2P. Also called: Limb-Girdle Muscular Dystrophy Type 9C; MUSCULAR DYSTROPHY, LIMB-GIRDLE, TYPE 2P; MUSCULAR DYSTROPHY-DYSTROGLYCANOPATHY, LIMB-GIRDLE, DAG1-RELATED. Identifiers: Orphanet 280333, MedGen C4511963, MONDO:0013440, OMIM 613818.

Submission:

Labcorp Genetics (formerly Invitae), Labcorp
Classification: Uncertain significance for Autosomal recessive limb-girdle muscular dystrophy type 2P; Muscular dystrophy-dystroglycanopathy (congenital with brain and eye anomalies), type A9. Last evaluated: 2022-06-13. Review status: criteria provided, single submitter. Criteria: Invitae Variant Classification Sherloc (09022015). Collection method: clinical testing. Allele origin: germline.
Comment: This sequence change replaces valine, which is neutral and non-polar, with glycine, which is neutral and non-polar, at codon 5 of the DAG1 protein (p.Val5Gly). This variant is not present in population databases (gnomAD no frequency). This variant has not been reported in the literature in individuals affected with DAG1-related conditions. Algorithms developed to predict the effect of missense changes on protein structure and function output the following: SIFT: "Deleterious"; PolyPhen-2: "Benign"; Align-GVGD: "Class C0". The glycine amino acid residue is found in multiple mammalian species, which suggests that this missense change does not adversely affect protein function. In summary, the available evidence is currently insufficient to determine the role of this variant in disease. Therefore, it has been classified as a Variant of Uncertain Significance.

NM_004393.6(DAG1):c.14T>G (p.Val5Gly)

Gene: DAG1 (dystroglycan 1; plus strand). Cytogenetic location: 3p21.31.
Variant type: single nucleotide variant.
Coding change: c.14T>G on transcript NM_004393.6 (MANE Select); coding-DNA position 14, T replaced by G.
Protein change: p.Val5Gly; replaces valine 5 with glycine.
Molecular consequence: missense variant.
Genome position (GRCh38, 1-based): chr3:49,510,548, T>G. VCF-style: chr3-49510548-T-G. GRCh37 (hg19) VCF-style: chr3-49547981-T-G.
Other names: c.14T>G, p.Val5Gly (NM_001165928.4, NM_001177634.3, NM_001177635.3 and 9 more transcripts); short protein forms V5G.
Identifiers: ClinVar variation 2005444 (VCV002005444.4), dbSNP rs2472162799, ClinGen allele CA352799932.